The following is an entry in ClinVar:

NM_014444.5(TUBGCP4):c.1325G>A (p.Arg442Gln)

Gene: TUBGCP4 (tubulin gamma complex component 4; plus strand). Cytogenetic location: 15q15.3.
Variant type: single nucleotide variant.
Coding change: c.1325G>A on transcript NM_014444.5 (MANE Select); coding-DNA position 1325, G replaced by A.
Protein change: p.Arg442Gln; replaces arginine 442 with glutamine.
Molecular consequence: missense variant.
Genome position (GRCh38, 1-based): chr15:43,398,086, G>A. VCF-style: chr15-43398086-G-A. GRCh37 (hg19) VCF-style: chr15-43690284-G-A.
Other names: c.1328G>A, p.Arg443Gln (NM_001286414.3); c.1325G>A (NM_014444.2); short protein forms R442Q, R443Q.
Identifiers: ClinVar variation 1044501 (VCV001044501.9), dbSNP rs571950291, ClinGen allele CA7524067.

ClinVar aggregate classification (germline): Uncertain significance. Review status: criteria provided, multiple submitters, no conflicts (2 of 4 stars). 2 submissions from 2 submitters: Uncertain significance (2). Last evaluated 2025-06-18.

Conditions:
Inborn genetic diseases. Identifiers: MedGen C0950123, MeSH D030342.

Allele frequency attached by ClinVar (database versions not stated): ExAC 0.00003; gnomAD exomes 0.00003; TOPMed 0.00005; gnomAD 0.00007; 1000 Genomes Project 30x 0.00016; 1000 Genomes Project 0.00020.
gnomAD v4.1: 55 of 1,613,930 alleles (0.0034%); highest among the groups gnomAD compares: African/African-American, 0.012%; no homozygotes.

Submissions (2):

Ambry Genetics
Classification: Uncertain significance for Inborn genetic diseases. Last evaluated: 2025-06-18. Review status: criteria provided, single submitter. Criteria: Ambry Variant Classification Scheme 2023. Collection method: clinical testing. Allele origin: germline.

Labcorp Genetics (formerly Invitae), Labcorp
Classification: Uncertain significance. Last evaluated: 2024-06-03. Review status: criteria provided, single submitter. Criteria: Invitae Variant Classification Sherloc (09022015). Collection method: clinical testing. Allele origin: germline.
Comment: This sequence change replaces arginine, which is basic and polar, with glutamine, which is neutral and polar, at codon 443 of the TUBGCP4 protein (p.Arg443Gln). This variant is present in population databases (rs571950291, gnomAD 0.008%). This variant has not been reported in the literature in individuals affected with TUBGCP4-related conditions. ClinVar contains an entry for this variant (Variation ID: 1044501). Advanced modeling of protein sequence and biophysical properties (such as structural, functional, and spatial information, amino acid conservation, physicochemical variation, residue mobility, and thermodynamic stability) performed at Invitae indicates that this missense variant is not expected to disrupt TUBGCP4 protein function with a negative predictive value of 80%. In summary, the available evidence is currently insufficient to determine the role of this variant in disease. Therefore, it has been classified as a Variant of Uncertain Significance.